The following is an entry in ClinVar:

ClinVar aggregate classification (germline): Likely pathogenic. Review status: reviewed by expert panel (3 of 4 stars). 3 submissions from 3 submitters: Likely pathogenic (1). 2 of the submissions do not count toward it. Last evaluated 2026-09-01.

Conditions:
Hereditary cancer-predisposing syndrome. Also called: Neoplastic Syndromes, Hereditary; Tumor predisposition; Hereditary Cancer Syndrome; Hereditary neoplastic syndrome. Identifiers: Orphanet 140162, MedGen C0027672, MeSH D009386, MONDO:0015356.
DICER1-related tumor predisposition. Also called: DICER1-related pleuropulmonary blastoma cancer predisposition syndrome; DICER1 syndrome. Identifiers: Orphanet 284343, MedGen C3839822, MONDO:0100216.

Submissions (3):

ClinGen DICER1 and miRNA-Processing Gene Variant Curation Expert Panel, ClinGen
Classification: Likely pathogenic for DICER1-related tumor predisposition. Last evaluated: 2026-09-01. Review status: reviewed by expert panel. Criteria: ClinGen DICER1 and miRNA-Processing Gene Expert Panel Specifications to the ACMG/AMP Variant Interpretation Guidelines for DICER1 Version 1.4. Collection method: curation. Allele origin: germline. Inheritance: Autosomal dominant inheritance.
Comment: The NM_177438.3:c.734+3A>T variant in DICER1 is an intronic variant resulting in an A to T substitution 3 nucleotides downstream from coding exon 5. This variant received a total of 1 phenotype point(s) across 1 proband, meeting DICER1 VCEP phenotype specificity scoring criteria of 1-1.5 points (PS4_Supporting; Internal lab contributors). This variant is absent from gnomAD v4.1.1 (PM2_Supporting). Sequencing of RNA from patients showed an out-of-frame impact on splicing, indicating that this variant impacts protein function (PS3; Internal lab contributors). The splice site predictors MaxEntScan and SpliceAI indicate that the variant impacts splicing, evidence that correlates with impact to DICER1 function (PP3). In summary, this variant meets the criteria to be classified as Likely Pathogenic for DICER1-related tumor predisposition based on the ACMG/AMP criteria applied, as specified by the ClinGen DICER1 VCEP: PS4_Supporting, PM2_Supporting, PS3, PP3. (Bayesian Points: 7; VCEP specifications version 1.4.0). Based on Tavtigian et al 2020 (PMID:32720330) and total points = 7, equating to a classification of Likely Pathogenic.

Labcorp Genetics (formerly Invitae), Labcorp
Classification: Uncertain significance for DICER1-related tumor predisposition. Last evaluated: 2025-09-20. Review status: criteria provided, single submitter. Criteria: Invitae Variant Classification Sherloc (09022015). Collection method: clinical testing. Allele origin: germline. Not counted in ClinVar's aggregate classification.
Comment: This sequence change falls in intron 6 of the DICER1 gene. It does not directly change the encoded amino acid sequence of the DICER1 protein. It affects a nucleotide within the consensus splice site. This variant is not present in population databases (gnomAD no frequency). This variant has not been reported in the literature in individuals affected with DICER1-related conditions. ClinVar contains an entry for this variant (Variation ID: 2765748). Variants that disrupt the consensus splice site are a relatively common cause of aberrant splicing (PMID: 17576681, 9536098). Algorithms developed to predict the effect of sequence changes on RNA splicing suggest that this variant may disrupt the consensus splice site. In summary, the available evidence is currently insufficient to determine the role of this variant in disease. Therefore, it has been classified as a Variant of Uncertain Significance.

Ambry Genetics
Classification: Likely pathogenic for Hereditary cancer-predisposing syndrome. Last evaluated: 2024-02-01. Review status: criteria provided, single submitter. Criteria: Ambry Variant Classification Scheme 2023. Collection method: clinical testing. Allele origin: germline. Not counted in ClinVar's aggregate classification.
Comment: The c.734+3A>T intronic variant results from an A to T substitution 3 nucleotides after coding exon 5 in the DICER1 gene. This nucleotide position is well conserved in available vertebrate species. In silico splice site analysis predicts that this alteration may weaken the native splice donor site. RNA studies have demonstrated that this alteration results in abnormal splicing in the set of samples tested (Ambry internal data). Based on the majority of available evidence to date, this variant is likely to be pathogenic.

Literature cited by the submitters: PubMed 17576681 (cited by Labcorp Genetics (formerly Invitae), Labcorp); PubMed 9536098 (cited by Labcorp Genetics (formerly Invitae), Labcorp).

NM_177438.3(DICER1):c.734+3A>T

Gene: DICER1 (dicer 1, ribonuclease III; minus strand). Cytogenetic location: 14q32.13.
Variant type: single nucleotide variant.
Coding change: c.734+3A>T on transcript NM_177438.3 (MANE Select); 3 bases into the intron after coding-DNA position 734, A replaced by T.
Molecular consequence: intron variant.
Genome position (GRCh38, 1-based): chr14:95,129,469, T>A on the plus strand (A>T on the coding strand, the complement: DICER1 is on the minus strand). VCF-style: chr14-95129469-T-A. GRCh37 (hg19) VCF-style: chr14-95595806-T-A.
Other names: c.734+3A>T (NM_001291628.2, NM_030621.4, NM_001395677.1 and 15 more transcripts); c.329+3A>T (NM_001395690.1, NM_001395687.1, NM_001395689.1 and 3 more transcripts); c.452+3A>T (NM_001395686.1); c.167+3A>T (NM_001395691.1); c.-835+3A>T (NM_001395697.1).
Identifiers: ClinVar variation 2765748 (VCV002765748.6), dbSNP rs377208116, ClinGen allele CA2697554180.